The following is an entry in ClinVar:

ClinVar aggregate classification (germline): Conflicting classifications of pathogenicity. Review status: criteria provided, conflicting classifications (1 of 4 stars). 2 submissions from 2 submitters: Uncertain significance (1); Likely benign (1). Last evaluated 2021-08-03.

Conditions:
Familial thoracic aortic aneurysm and aortic dissection (TAAD). Also called: Thoracic aortic aneurysms and dissections. Identifiers: Orphanet 91387, MedGen C4707243, MONDO:0019625.

Allele frequency attached by ClinVar (database versions not stated): TOPMed below 0.00001; ExAC 0.00001; gnomAD 0.00001; ESP Exome Variant Server 0.00008.
gnomAD v4.1: 3 of 1,613,750 alleles (0.00019%); highest among the groups gnomAD compares: African/African-American, 0.004%; no homozygotes.

Submissions (2):

Ambry Genetics
Classification: Uncertain significance for Familial thoracic aortic aneurysm and aortic dissection. Last evaluated: 2021-08-03. Review status: criteria provided, single submitter. Criteria: Ambry Variant Classification Scheme 2023. Collection method: clinical testing. Allele origin: germline.
Comment: The p.I283T variant (also known as c.848T>C), located in coding exon 7 of the FBN2 gene, results from a T to C substitution at nucleotide position 848. The isoleucine at codon 283 is replaced by threonine, an amino acid with similar properties. This amino acid position is well conserved in available vertebrate species. In addition, the in silico prediction for this alteration is inconclusive. Since supporting evidence is limited at this time, the clinical significance of this alteration remains unclear.

Blueprint Genetics
Classification: Likely benign. Last evaluated: 2019-11-21. Review status: criteria provided, single submitter. Criteria: ACMG Guidelines, 2015. Collection method: clinical testing. Allele origin: germline.

NM_001999.4(FBN2):c.848T>C (p.Ile283Thr)

Gene: FBN2 (fibrillin 2; minus strand). Cytogenetic location: 5q23.3.
Variant type: single nucleotide variant.
Coding change: c.848T>C on transcript NM_001999.4 (MANE Select); coding-DNA position 848, T replaced by C.
Protein change: p.Ile283Thr; replaces isoleucine 283 with threonine.
Molecular consequence: missense variant.
Genome position (GRCh38, 1-based): chr5:128,446,585, A>G on the plus strand (T>C on the coding strand, the complement: FBN2 is on the minus strand). VCF-style: chr5-128446585-A-G. GRCh37 (hg19) VCF-style: chr5-127782278-A-G.
Other names: short protein forms I283T.
Identifiers: ClinVar variation 1763576 (VCV001763576.3), dbSNP rs143641901, ClinGen allele CA3395965.